The following is an entry in ClinVar:

ClinVar aggregate classification (germline): Uncertain significance (1 of 4 stars; one submission).

Submission:

GeneDx
Classification: Uncertain significance. Last evaluated: 2024-10-06. Review status: criteria provided, single submitter. Criteria: GeneDx Variant Classification Process June 2021. Collection method: clinical testing. Allele origin: germline. Affected: yes.
Comment: Not observed at significant frequency in large population cohorts (gnomAD); In silico analysis indicates that this missense variant does not alter protein structure/function; Has not been previously published as pathogenic or benign to our knowledge; This variant is associated with the following publications: (PMID: 16718611, 21520338, 31554319, 9590290)

NM_005422.4(TECTA):c.5858T>C (p.Leu1953Ser)

Genes: TECTA (tectorin alpha; plus strand), TBCEL-TECTA (TBCEL-TECTA readthrough; plus strand). Cytogenetic location: 11q23.3.
Variant type: single nucleotide variant.
Coding change: c.5858T>C on transcript NM_005422.4 (MANE Select); coding-DNA position 5858, T replaced by C.
Protein change: p.Leu1953Ser; replaces leucine 1953 with serine.
Molecular consequence: missense variant.
Genome position (GRCh38, 1-based): chr11:121,168,784, T>C. VCF-style: chr11-121168784-T-C. GRCh37 (hg19) VCF-style: chr11-121039493-T-C.
Other names: c.6800T>C, p.Leu2267Ser (NM_001378761.1); short protein forms L1953S, L2267S.
Identifiers: ClinVar variation 3777448 (VCV003777448.1).
Genomic context (GRCh38, chr11:121,168,784, plus strand): 5'-AGATGGCTCTCTACAAAAACGCCTCCTACAAACATCCTTACCGCCAGGGTGAAGTAGTGT[T>C]GACGACTCGAGATGTGCTGTATGTAGGGGTTTTTGTGGTTGGAGCTGACGCCACACATTT-3'
Protein context (NP_005413.2, residues 1943-1963): KHPYRQGEVV[Leu1953Ser]TTRDVLYVGV